The following is an entry in ClinVar:

NM_014714.4(IFT140):c.676G>T (p.Val226Leu)

Genes: IFT140 (intraflagellar transport 140; minus strand), LOC105371046 (uncharacterized LOC105371046; plus strand). Cytogenetic location: 16p13.3.
Variant type: single nucleotide variant.
Coding change: c.676G>T on transcript NM_014714.4 (MANE Select); coding-DNA position 676, G replaced by T.
Protein change: p.Val226Leu; replaces valine 226 with leucine.
Molecular consequence: missense variant.
Genome position (GRCh38, 1-based): chr16:1,589,739, C>A on the plus strand (G>T on the coding strand, the complement: IFT140 is on the minus strand). VCF-style: chr16-1589739-C-A. GRCh37 (hg19) VCF-style: chr16-1639740-C-A.
Other names: short protein forms V226L.
Identifiers: ClinVar variation 2153748 (VCV002153748.5), dbSNP rs763180833, ClinGen allele CA7814609.

ClinVar aggregate classification (germline): Uncertain significance. Review status: criteria provided, multiple submitters, no conflicts (2 of 4 stars). 2 submissions from 2 submitters: Uncertain significance (2). Last evaluated 2025-05-13.

Conditions:
Retinal dystrophy. Also called: Inherited retinal dystrophy. Identifiers: Orphanet 71862, MedGen C0854723, MeSH D058499, MONDO:0019118, HP:0000556.
Saldino-Mainzer syndrome (SRTD9). Also called: short-rib thoracic dysplasia 9 with or without polydactyly; CONORENAL SYNDROME; Renal dysplasia, retinal pigmentary dystrophy, cerebellar ataxia and skeletal dysplasia; SHORT-RIB THORACIC DYSPLASIA 9 WITHOUT POLYDACTYLY. Identifiers: Orphanet 140969, MedGen C1849437, MONDO:0009964, OMIM 266920.

Allele frequency attached by ClinVar (database versions not stated): ExAC 0.00002; TOPMed 0.00002; gnomAD 0.00003.
gnomAD v4.1: 18 of 1,614,104 alleles (0.0011%); highest among the groups gnomAD compares: East Asian, 0.0022%; no homozygotes.

Submissions (2):

Labcorp Genetics (formerly Invitae), Labcorp
Classification: Uncertain significance for Saldino-Mainzer syndrome. Last evaluated: 2025-05-13. Review status: criteria provided, single submitter. Criteria: Invitae Variant Classification Sherloc (09022015). Collection method: clinical testing. Allele origin: germline.
Comment: This sequence change replaces valine, which is neutral and non-polar, with leucine, which is neutral and non-polar, at codon 226 of the IFT140 protein (p.Val226Leu). This variant is present in population databases (rs763180833, gnomAD 0.003%). This variant has not been reported in the literature in individuals affected with IFT140-related conditions. ClinVar contains an entry for this variant (Variation ID: 2153748). Invitae Evidence Modeling of protein sequence and biophysical properties (such as structural, functional, and spatial information, amino acid conservation, physicochemical variation, residue mobility, and thermodynamic stability) indicates that this missense variant is not expected to disrupt IFT140 protein function with a negative predictive value of 95%. In summary, the available evidence is currently insufficient to determine the role of this variant in disease. Therefore, it has been classified as a Variant of Uncertain Significance.

Dept Of Ophthalmology, Nagoya University
Classification: Uncertain significance for Retinal dystrophy. Last evaluated: 2023-10-01. Review status: criteria provided, single submitter. Criteria: Submitter's publication. Collection method: research. Allele origin: germline. Affected: yes.